The following is an entry in ClinVar:

ClinVar aggregate classification (germline): Likely benign. Review status: criteria provided, multiple submitters, no conflicts (2 of 4 stars). 2 submissions from 2 submitters: Likely benign (2). Last evaluated 2025-02-27.

Conditions:
Multiple endocrine neoplasia, type 2 (MEN2). Identifiers: Orphanet 653, MedGen C4048306, MONDO:0019003. Disease mechanism: gain of function.
Multiple endocrine neoplasia type 2A. Also called: MULTIPLE ENDOCRINE NEOPLASIA, TYPE IIA; PTC SYNDROME; SIPPLE SYNDROME; MEN 2A; MEN-2A syndrome; Pheochromocytoma and amyloid producing medullary thyroid carcinoma. Identifiers: Orphanet 247698, Orphanet 653, MedGen C0025268, MeSH D018813, MONDO:0008234, OMIM 171400.

Submissions (2):

Myriad Genetics, Inc.
Classification: Likely benign for Multiple endocrine neoplasia type 2A. Last evaluated: 2025-02-27. Review status: criteria provided, single submitter. Criteria: Myriad Autosomal Dominant, Autosomal Recessive and X-Linked Classification Criteria (2023). Collection method: clinical testing. Allele origin: unknown.
Comment: This variant is considered likely benign. This variant is intronic and is not expected to impact mRNA splicing.

Labcorp Genetics (formerly Invitae), Labcorp
Classification: Likely benign for Multiple endocrine neoplasia, type 2. Last evaluated: 2022-11-27. Review status: criteria provided, single submitter. Criteria: Invitae Variant Classification Sherloc (09022015). Collection method: clinical testing. Allele origin: germline.

NM_020975.6(RET):c.2608-16C>T

Gene: RET (ret proto-oncogene; plus strand). Cytogenetic location: 10q11.21.
Variant type: single nucleotide variant.
Coding change: c.2608-16C>T on transcript NM_020975.6 (MANE Select); 16 bases into the intron before coding-DNA position 2608, C replaced by T.
Molecular consequence: intron variant.
Genome position (GRCh38, 1-based): chr10:43,120,065, C>T. VCF-style: chr10-43120065-C-T. GRCh37 (hg19) VCF-style: chr10-43615513-C-T.
Other names: c.2608-16C>T (NM_020630.7, NM_001406743.1, NM_001406744.1 and 2 more transcripts); c.2473-16C>T (NM_001406765.1, NM_001406763.1); c.2212-16C>T (NM_001406772.1, NM_001406769.1); c.2170-16C>T (NM_001406773.1, NM_001406771.1); c.1711-16C>T (NM_001406782.1, NM_001406780.1, NM_001406779.1 and 1 more transcripts); c.1576-16C>T (NM_001406787.1); c.1591-16C>T (NM_001406785.1); c.2479-16C>T (NM_001406764.1, NM_001406762.1, NM_001406761.1); and 10 more.
Identifiers: ClinVar variation 3006529 (VCV003006529.4), dbSNP rs2132957809, ClinGen allele CA2721904298.
Genomic context (GRCh38, chr10:43,120,065, plus strand): 5'-CTGGTCACACCAGGCTGAGCCAGTGACCGCTGCTGCCTGGCCATGGCCTGACGACTCGTG[C>T]TATTTTTCCTCACAGCTCGTTCATCGGGACTTGGCAGCCAGAAACATCCTGGTAGCTGAG-3'